The following is an entry in ClinVar:

ClinVar aggregate classification (germline): Uncertain significance (1 of 4 stars; one submission).

Allele frequency attached by ClinVar (database versions not stated): gnomAD exomes below 0.00001.
gnomAD v4.1: 1 of 1,209,884 alleles (0.000083%); highest among the groups gnomAD compares: Non-Finnish European, 0.00011%; no homozygotes.

Submission:

Women's Health and Genetics/Laboratory Corporation of America, LabCorp
Classification: Uncertain significance. Last evaluated: 2020-03-20. Review status: criteria provided, single submitter. Criteria: LabCorp Variant Classification Summary - May 2015. Collection method: clinical testing. Allele origin: germline.
Comment: Variant summary: NLGN3 c.38G>A (p.Ser13Asn) results in a conservative amino acid change in the encoded protein sequence. Five of five in-silico tools predict a benign effect of the variant on protein function. The variant was absent in 176556 control chromosomes. The available data on variant occurrences in the general population are insufficient to allow any conclusion about variant significance. To our knowledge, no occurrence of c.38G>A in individuals affected with Autism, susceptibility to, X-linked 1 and no experimental evidence demonstrating its impact on protein function have been reported. No clinical diagnostic laboratories have submitted clinical-significance assessments for this variant to ClinVar after 2014. Based on the evidence outlined above, the variant was classified as uncertain significance.

NM_181303.2(NLGN3):c.38G>A (p.Ser13Asn)

Gene: NLGN3 (neuroligin 3; plus strand). Cytogenetic location: Xq13.1.
Variant type: single nucleotide variant.
Coding change: c.38G>A on transcript NM_181303.2 (MANE Select); coding-DNA position 38, G replaced by A.
Protein change: p.Ser13Asn; replaces serine 13 with asparagine.
Molecular consequence: missense variant. On other transcripts: intron variant (1).
Genome position (GRCh38, 1-based): chrX:71,147,787, G>A. VCF-style: chrX-71147787-G-A. GRCh37 (hg19) VCF-style: chrX-70367637-G-A.
Other names: c.38G>A, p.Ser13Asn (NM_001166660.2, NM_018977.4); c.-38-276G>A (NM_001321276.2); short protein forms S13N.
Identifiers: ClinVar variation 918125 (VCV000918125.1), dbSNP rs2092376058, ClinGen allele CA413546659.